The following is an entry in ClinVar:

NM_002691.4(POLD1):c.1036dup (p.Glu346fs)

Gene: POLD1 (DNA polymerase delta 1, catalytic subunit; plus strand). Cytogenetic location: 19q13.33.
Variant type: Duplication.
Coding change: c.1036dup on transcript NM_002691.4 (MANE Select); coding-DNA position 1036, one base duplicated (G; older notation c.1036dupG).
Protein change: p.Glu346fs; shifts the reading frame from glutamic acid 346.
Molecular consequence: frameshift variant. On other transcripts: non-coding transcript variant (1).
Genome position (GRCh38, 1-based): chr19:50,403,118, G duplicated; the last of 6 consecutive G bases (chr19:50,403,113-50,403,118); duplicating any one gives the same sequence. VCF-style (leftmost placement, unchanged base first): chr19-50403112-T-TG. GRCh37 (hg19) VCF-style: chr19-50906369-T-TG.
Other names: c.1036dup, p.Glu346fs (NM_001256849.1, NM_001308632.1); short protein forms E346fs.
Identifiers: ClinVar variation 822056 (VCV000822056.4), dbSNP rs749601227, ClinGen allele CA9596008.

ClinVar aggregate classification (germline): Uncertain significance (1 of 4 stars; one submission).

Conditions:
Hereditary cancer-predisposing syndrome. Also called: Tumor predisposition; Hereditary Cancer Syndrome; Neoplastic Syndromes, Hereditary; Hereditary neoplastic syndrome. Identifiers: Orphanet 140162, MedGen C0027672, MeSH D009386, MONDO:0015356.

Submission:

Ambry Genetics
Classification: Uncertain significance for Hereditary cancer-predisposing syndrome. Last evaluated: 2018-04-26. Review status: criteria provided, single submitter. Criteria: Ambry Variant Classification Scheme 2023. Collection method: clinical testing. Allele origin: germline.
Comment: The c.1036dupG variant, located in coding exon 8 of the POLD1 gene, results from a duplication of G at nucleotide position 1036, causing a translational frameshift with a predicted alternate stop codon (p.E346Gfs*289). This alteration is expected to result in loss of function by premature protein truncation or nonsense-mediated mRNA decay. However, loss of function of POLD1 has not been clearly established as a mechanism of disease. Since supporting evidence is limited at this time, the clinical significance of this alteration remains unclear.